The following is an entry in ClinVar:

NM_000152.5(GAA):c.2135T>C (p.Leu712Pro)

Gene: GAA (alpha glucosidase; plus strand). Cytogenetic location: 17q25.3.
Variant type: single nucleotide variant.
Coding change: c.2135T>C on transcript NM_000152.5 (MANE Select); coding-DNA position 2135, T replaced by C.
Protein change: p.Leu712Pro; replaces leucine 712 with proline.
Molecular consequence: missense variant.
Genome position (GRCh38, 1-based): chr17:80,113,312, T>C. VCF-style: chr17-80113312-T-C. GRCh37 (hg19) VCF-style: chr17-78087111-T-C.
Other names: c.2135T>C, p.Leu712Pro (NM_001079803.3, NM_001079804.3, NM_001406741.1 and 1 more transcripts); short protein forms L712P.
Identifiers: ClinVar variation 4876591 (VCV004876591.1).
Genomic context (GRCh38, chr17:80,113,312, plus strand): 5'-AGCAGGCCATGAGGAAGGCCCTCACCCTGCGCTACGCACTCCTCCCCCACCTCTACACAC[T>C]GTTCCACCAGGCCCACGTCGCGGGGGAGACCGTGGCCCGGCCCCTCTTCCTGGAGTGAGT-3'
Protein context (NP_000143.2, residues 702-722): RYALLPHLYT[Leu712Pro]FHQAHVAGET

ClinVar aggregate classification (germline): Likely pathogenic (1 of 4 stars; one submission).

Conditions:
Glycogen storage disease, type II (IOPD). Also called: Pompe Disease; CARDIOMEGALIA GLYCOGENICA DIFFUSA; GLYCOGENOSIS, GENERALIZED, CARDIAC FORM; GSD II; POMPE DISEASE, INFANTILE-ONSET; GLYCOGEN STORAGE DISEASE II, INFANTILE-ONSET. Identifiers: Orphanet 365, MedGen C0017921, MONDO:0009290, OMIM 232300.

Submission:

Genomenon, Inc
Classification: Likely pathogenic for Glycogen storage disease, type II. Last evaluated: 2026-07-01. Review status: criteria provided, single submitter. Criteria: Genomenon Sequence Variant Interpretation Standards - Updated. Collection method: curation. Allele origin: germline. Affected: yes.
Comment: GAA p.Leu712Pro (c.2135T>C) is a missense variant that changes the amino acid at codon 712 from Leucine to Proline. This variant has been observed in at least one proband with a GAA-related disorder in the compound heterozygous and/or homozygous state (PMID:26873529;27189384). At least one functional study has demonstrated a substantial alteration in protein function relative to the wild-type (PMID:18425781). It is absent or not present at a significant frequency in gnomAD. In silico models predict that this variant is possibly or probably damaging. In conclusion, we classify GAA p.Leu712Pro (c.2135T>C) as a likely pathogenic variant.

Literature cited by the submitters: PubMed 26873529; PubMed 27189384; PubMed 18425781.